The following is an entry in ClinVar:

NM_000350.3(ABCA4):c.6559C>T (p.Gln2187Ter)

Gene: ABCA4 (ATP binding cassette subfamily A member 4; minus strand). Cytogenetic location: 1p22.1.
Variant type: single nucleotide variant.
Coding change: c.6559C>T on transcript NM_000350.3 (MANE Select); coding-DNA position 6559, C replaced by T.
Protein change: p.Gln2187Ter; replaces glutamine 2187 with a stop codon.
Molecular consequence: nonsense.
Genome position (GRCh38, 1-based): chr1:93,998,031, G>A on the plus strand (C>T on the coding strand, the complement: ABCA4 is on the minus strand). VCF-style: chr1-93998031-G-A. GRCh37 (hg19) VCF-style: chr1-94463587-G-A.
Other names: c.6337C>T, p.Gln2113Ter (NM_001425324.1); short protein forms Q2113*, Q2187*.
Identifiers: ClinVar variation 3338800 (VCV003338800.2).

ClinVar aggregate classification (germline): Pathogenic. Review status: criteria provided, multiple submitters, no conflicts (2 of 4 stars). 2 submissions from 2 submitters: Pathogenic (2). Last evaluated 2024-05-17.

Conditions:
ABCA4-related disorder. Also called: ABCA4-related condition; ABCA4-related disorders. Identifiers: MedGen CN239167.

Submissions (2):

Blueprint Genetics
Classification: Pathogenic for ABCA4-related disorders. Last evaluated: 2024-05-17. Review status: criteria provided, single submitter. Criteria: ACMG Guidelines, 2015. Collection method: clinical testing. Allele origin: germline. Affected: yes. Observed: 2 variant alleles.

GeneDx
Classification: Pathogenic. Last evaluated: 2023-09-29. Review status: criteria provided, single submitter. Criteria: GeneDx Variant Classification Process June 2021. Collection method: clinical testing. Allele origin: germline. Affected: yes.
Comment: Nonsense variant predicted to result in protein truncation or nonsense mediated decay in a gene for which loss of function is a known mechanism of disease; Not observed at significant frequency in large population cohorts (gnomAD); This variant is associated with the following publications: (PMID: 25525159, 23755871, 32619608, 35119454)